The following is an entry in ClinVar:

ClinVar aggregate classification (germline): Pathogenic (0 of 4 stars; one submission).

Conditions:
Hypoplastic femurs and pelvis (HYPOFP). Identifiers: MedGen C5561993, OMIM 619545.

Submission:

ClinVar Staff, National Center for Biotechnology Information (NCBI)
Classification: Pathogenic for Hypoplastic femurs and pelvis. Review status: no assertion criteria provided. Collection method: literature only. Allele origin: de novo. Affected: yes. Observed: 2 variant alleles, 2 heterozygotes.
Comment: The paper by Socha et al., 2021 (PubMed 34433009) described 2 families with overlapping de novo duplications including FGF8. This duplication is the shorter one in Family 1. The paper also described genetically engineered mice with Fgf8 duplications, and hypothesized that "duplications at the FGF8 locus are associated with femoral hypoplasia and that the phenotype is most likely the result of position effects altering FGF8 expression rather than gene dosage effects."

Literature cited by the submitters: PubMed 34433009.

NC_000010.10:g.103012761_103546704dup

Genes: BTRC (beta-transducin repeat containing E3 ubiquitin protein ligase; plus strand), DPCD (deleted in primary ciliary dyskinesia homolog (mouse); plus strand), FBXW4 (F-box and WD repeat domain containing 4; minus strand), FGF8 (fibroblast growth factor 8; minus strand), NPM3 (nucleophosmin/nucleoplasmin 3; minus strand) and 2 more. Cytogenetic location: 10q24.32.
Variant type: Duplication.
Other names: arr[GRCh37] 10q24.32(103,012,761_103,546,704)x3.
Identifiers: ClinVar variation 3250369 (VCV003250369.2).